The following is an entry in ClinVar:

ClinVar aggregate classification (germline): Uncertain significance (1 of 4 stars; one submission).

Conditions:
Hereditary cancer-predisposing syndrome. Also called: Neoplastic Syndromes, Hereditary; Tumor predisposition; Hereditary Cancer Syndrome; Hereditary neoplastic syndrome. Identifiers: Orphanet 140162, MedGen C0027672, MeSH D009386, MONDO:0015356.

Submission:

Ambry Genetics
Classification: Uncertain significance for Hereditary cancer-predisposing syndrome. Last evaluated: 2024-10-18. Review status: criteria provided, single submitter. Criteria: Ambry Variant Classification Scheme 2023. Collection method: clinical testing. Allele origin: germline.
Comment: The c.338-5T>C intronic variant results from a T to C substitution 5 nucleotides upstream from coding exon 3 in the RET gene. This nucleotide position is well conserved in available vertebrate species. In silico splice site analysis predicts that this alteration will not have any significant effect on splicing. Based on the available evidence, the clinical significance of this variant remains unclear.

NM_020975.6(RET):c.338-5T>C

Gene: RET (ret proto-oncogene; plus strand). Cytogenetic location: 10q11.21.
Variant type: single nucleotide variant.
Coding change: c.338-5T>C on transcript NM_020975.6 (MANE Select); 5 bases into the intron before coding-DNA position 338, T replaced by C.
Molecular consequence: intron variant.
Genome position (GRCh38, 1-based): chr10:43,102,337, T>C. VCF-style: chr10-43102337-T-C. GRCh37 (hg19) VCF-style: chr10-43597785-T-C.
Other names: c.338-5T>C (NM_020630.7, NM_001406743.1, NM_001406744.1 and 14 more transcripts); c.338-134T>C (NM_001406764.1, NM_001406762.1, NM_001406761.1 and 4 more transcripts); c.337+1615T>C (NM_001406770.1, NM_001406766.1, NM_001406767.1 and 8 more transcripts); c.74-6694T>C (NM_001406784.1); c.74-9762T>C (NM_001406794.1, NM_001406792.1, NM_001406793.1).
Identifiers: ClinVar variation 3432219 (VCV003432219.1).